The following is an entry in ClinVar:

NM_004370.6(COL12A1):c.4434C>T (p.Val1478=)

Gene: COL12A1 (collagen type XII alpha 1 chain; minus strand). Cytogenetic location: 6q13.
Variant type: single nucleotide variant.
Coding change: c.4434C>T on transcript NM_004370.6 (MANE Select); coding-DNA position 4434, C replaced by T.
Protein change: p.Val1478=; no amino-acid change (valine 1478 retained).
Molecular consequence: synonymous variant.
Genome position (GRCh38, 1-based): chr6:75,146,228, G>A on the plus strand (C>T on the coding strand, the complement: COL12A1 is on the minus strand). VCF-style: chr6-75146228-G-A. GRCh37 (hg19) VCF-style: chr6-75855944-G-A.
Other names: c.942C>T, p.Val314= (NM_080645.3).
Identifiers: ClinVar variation 2148979 (VCV002148979.4), dbSNP rs374967264, ClinGen allele CA141001241.

ClinVar aggregate classification (germline): Uncertain significance (1 of 4 stars; one submission).

Conditions:
Ullrich congenital muscular dystrophy 2 (UCMD2). Identifiers: Orphanet 75840, MedGen C4225314, MONDO:0014654, OMIM 616470.
Bethlem myopathy 2 (BTHLM2). Identifiers: Orphanet 536516, Orphanet 610, MedGen C4225313, MONDO:0034022, OMIM 616471.

Allele frequency attached by ClinVar (database versions not stated): gnomAD 0.00001; TOPMed 0.00001; ESP Exome Variant Server 0.00008.

Submission:

Labcorp Genetics (formerly Invitae), Labcorp
Classification: Uncertain significance for Bethlem myopathy 2; Ullrich congenital muscular dystrophy 2. Last evaluated: 2022-06-14. Review status: criteria provided, single submitter. Criteria: Invitae Variant Classification Sherloc (09022015). Collection method: clinical testing. Allele origin: germline.
Comment: This sequence change affects codon 1478 of the COL12A1 mRNA. It is a 'silent' change, meaning that it does not change the encoded amino acid sequence of the COL12A1 protein. This variant is not present in population databases (gnomAD no frequency). This variant has not been reported in the literature in individuals affected with COL12A1-related conditions. Algorithms developed to predict the effect of sequence changes on RNA splicing suggest that this variant may disrupt the consensus splice site. In summary, the available evidence is currently insufficient to determine the role of this variant in disease. Therefore, it has been classified as a Variant of Uncertain Significance.